The following is an entry in ClinVar:

NM_021120.4(DLG3):c.1432C>T (p.His478Tyr)

Gene: DLG3 (discs large MAGUK scaffold protein 3; plus strand). Cytogenetic location: Xq13.1.
Variant type: single nucleotide variant.
Coding change: c.1432C>T on transcript NM_021120.4 (MANE Select); coding-DNA position 1432, C replaced by T.
Protein change: p.His478Tyr; replaces histidine 478 with tyrosine.
Molecular consequence: missense variant. On other transcripts: 5 prime UTR variant (1).
Genome position (GRCh38, 1-based): chrX:70,479,176, C>T. VCF-style: chrX-70479176-C-T. GRCh37 (hg19) VCF-style: chrX-69699026-C-T.
Other names: c.-18C>T (NM_001166278.2); c.421C>T, p.His141Tyr (NM_020730.3); short protein forms H141Y, H478Y.
Identifiers: ClinVar variation 3384395 (VCV003384395.1).
Genomic context (GRCh38, chrX:70,479,176, plus strand): 5'-TCTTTTCCCATCTTTTCCCTTGTTTCCGTGACAGAATACAGTCGCTTTGAATCGAAGATA[C>T]ATGACTTACGAGAACAAATGATGAACAGCAGCATGAGCTCTGGGTCTGGGTCCCTCCGAA-3'
Protein context (NP_066943.2, residues 468-488): EEYSRFESKI[His478Tyr]DLREQMMNSS

ClinVar aggregate classification (germline): Uncertain significance (1 of 4 stars; one submission).

gnomAD v4.1: 2 of 1,200,719 alleles (0.00017%); highest among the groups gnomAD compares: Non-Finnish European, 0.00022%; no homozygotes.

Submission:

GeneDx
Classification: Uncertain significance. Last evaluated: 2024-06-03. Review status: criteria provided, single submitter. Criteria: GeneDx Variant Classification Process June 2021. Collection method: clinical testing. Allele origin: germline. Affected: yes.
Comment: Not observed at significant frequency in large population cohorts (gnomAD); In silico analysis supports that this missense variant has a deleterious effect on protein structure/function; Has not been previously published as pathogenic or benign to our knowledge